The following is an entry in ClinVar:

NM_004859.4(CLTC):c.3928G>C (p.Glu1310Gln)

Gene: CLTC (clathrin heavy chain; plus strand). Cytogenetic location: 17q23.1.
Variant type: single nucleotide variant.
Coding change: c.3928G>C on transcript NM_004859.4 (MANE Select); coding-DNA position 3928, G replaced by C.
Protein change: p.Glu1310Gln; replaces glutamic acid 1310 with glutamine.
Molecular consequence: missense variant.
Genome position (GRCh38, 1-based): chr17:59,683,149, G>C. VCF-style: chr17-59683149-G-C. GRCh37 (hg19) VCF-style: chr17-57760510-G-C.
Other names: c.3940G>C, p.Glu1314Gln (NM_001288653.2); short protein forms E1310Q, E1314Q.
Identifiers: ClinVar variation 2765014 (VCV002765014.3), dbSNP rs2509154172, ClinGen allele CA400419628.

ClinVar aggregate classification (germline): Uncertain significance (1 of 4 stars; one submission).

Submission:

Labcorp Genetics (formerly Invitae), Labcorp
Classification: Uncertain significance. Last evaluated: 2025-01-06. Review status: criteria provided, single submitter. Criteria: Invitae Variant Classification Sherloc (09022015). Collection method: clinical testing. Allele origin: germline.
Comment: This sequence change replaces glutamic acid, which is acidic and polar, with glutamine, which is neutral and polar, at codon 1314 of the CLTC protein (p.Glu1314Gln). This variant is not present in population databases (gnomAD no frequency). This variant has not been reported in the literature in individuals affected with CLTC-related conditions. ClinVar contains an entry for this variant (Variation ID: 2765014). Invitae Evidence Modeling of protein sequence and biophysical properties (such as structural, functional, and spatial information, amino acid conservation, physicochemical variation, residue mobility, and thermodynamic stability) indicates that this missense variant is not expected to disrupt CLTC protein function with a negative predictive value of 80%. In summary, the available evidence is currently insufficient to determine the role of this variant in disease. Therefore, it has been classified as a Variant of Uncertain Significance.